The following is an entry in ClinVar:

NM_001127222.2(CACNA1A):c.4290G>T (p.Ala1430=)

Gene: CACNA1A (calcium voltage-gated channel subunit alpha1 A; minus strand). Cytogenetic location: 19p13.13.
Variant type: single nucleotide variant.
Coding change: c.4290G>T on transcript NM_001127222.2 (MANE Select); coding-DNA position 4290, G replaced by T.
Protein change: p.Ala1430=; no amino-acid change (alanine 1430 retained).
Molecular consequence: synonymous variant.
Genome position (GRCh38, 1-based): chr19:13,259,662, C>A on the plus strand (G>T on the coding strand, the complement: CACNA1A is on the minus strand). VCF-style: chr19-13259662-C-A. GRCh37 (hg19) VCF-style: chr19-13370476-C-A.
Other names: c.4302G>T, p.Ala1434= (NM_000068.4, NM_023035.3); c.4293G>T, p.Ala1431= (NM_001127221.2, NM_001174080.2); c.4293G>T (NM_000068.2).
Identifiers: ClinVar variation 283175 (VCV000283175.35), dbSNP rs555959123, ClinGen allele CA9240038.

ClinVar aggregate classification (germline): Conflicting classifications of pathogenicity. Review status: criteria provided, conflicting classifications (1 of 4 stars). 4 submissions from 4 submitters: Uncertain significance (1); Likely benign (3). Last evaluated 2025-10-24.

Conditions:
Developmental and epileptic encephalopathy, 42 (DEE42A). Also called: DEVELOPMENTAL AND EPILEPTIC ENCEPHALOPATHY 42A; EPILEPTIC ENCEPHALOPATHY, EARLY INFANTILE, 42A; Epileptic encephalopathy, early infantile, 42. Identifiers: MedGen C4310716, MONDO:0014917, OMIM 617106.
Episodic ataxia type 2 (EA2). Also called: ATAXIA, EPISODIC, WITH NYSTAGMUS; ATAXIA, FAMILIAL PAROXYSMAL; CEREBELLAR ATAXIA, PAROXYSMAL, ACETAZOLAMIDE-RESPONSIVE; CEREBELLOPATHY, HEREDITARY PAROXYSMAL; EPISODIC ATAXIA, NYSTAGMUS-ASSOCIATED; ACETAZOLAMIDE-RESPONSIVE HEREDITARY PAROXYSMAL CEREBELLAR ATAXIA. Identifiers: Orphanet 97, MedGen C1720416, MONDO:0007163, OMIM 108500.

gnomAD v4.1: 11 of 1,610,826 alleles (0.00068%); highest among the groups gnomAD compares: Middle Eastern, 0.016%; no homozygotes.

Submissions (4):

Labcorp Genetics (formerly Invitae), Labcorp
Classification: Likely benign for Developmental and epileptic encephalopathy, 42; Episodic ataxia type 2. Last evaluated: 2025-10-24. Review status: criteria provided, single submitter. Criteria: Invitae Variant Classification Sherloc (09022015). Collection method: clinical testing. Allele origin: germline.

Athena Diagnostics
Classification: Likely benign. Last evaluated: 2025-04-11. Review status: criteria provided, single submitter. Criteria: Athena Diagnostics Criteria. Collection method: clinical testing. Allele origin: unknown.
Comment: Computational tools yielded predictions that this variant is unlikely to have an effect on normal RNA splicing. This nucleotide position exhibits low evolutionary conservation.

CeGaT Center for Human Genetics Tuebingen
Classification: Likely benign. Last evaluated: 2023-07-01. Review status: criteria provided, single submitter. Criteria: CeGaT Center For Human Genetics Tuebingen Variant Classification Criteria Version 2. Collection method: clinical testing. Allele origin: germline. Affected: yes. Observed: 1 variant allele.
Comment: CACNA1A: BP4, BP7

Eurofins Ntd Llc (ga)
Classification: Uncertain significance. Last evaluated: 2015-10-06. Review status: criteria provided, single submitter. Criteria: EGL Classification Definitions 2015. Collection method: clinical testing. Allele origin: germline. Observed: 1 variant allele, 1 heterozygote.